The following is an entry in ClinVar:

ClinVar aggregate classification (germline): Likely benign (1 of 4 stars; one submission).

gnomAD v4.1: 3 of 1,613,906 alleles (0.00019%); highest among the groups gnomAD compares: South Asian, 0.0022%; no homozygotes.

Submission:

CeGaT Center for Human Genetics Tuebingen
Classification: Likely benign. Last evaluated: 2026-06-01. Review status: criteria provided, single submitter. Criteria: CeGaT Center For Human Genetics Tuebingen Variant Classification Criteria Version 2. Collection method: clinical testing. Allele origin: germline. Affected: yes. Observed: 1 variant allele.
Comment: FLG: BP4, BP7

NM_002016.2(FLG):c.1200T>C (p.Thr400=)

Genes: CCDST (cervical cancer associated DHX9 suppressive transcript; plus strand), FLG (filaggrin; minus strand). Cytogenetic location: 1q21.3.
Variant type: single nucleotide variant.
Coding change: c.1200T>C on transcript NM_002016.2 (MANE Select); coding-DNA position 1200, T replaced by C.
Protein change: p.Thr400=; no amino-acid change (threonine 400 retained).
Molecular consequence: synonymous variant. On other transcripts: non-coding transcript variant (1).
Genome position (GRCh38, 1-based): chr1:152,313,686, A>G on the plus strand (T>C on the coding strand, the complement: FLG is on the minus strand). VCF-style: chr1-152313686-A-G. GRCh37 (hg19) VCF-style: chr1-152286162-A-G.
Identifiers: ClinVar variation 4874358 (VCV004874358.2).